The following is an entry in ClinVar:

ClinVar aggregate classification (germline): Uncertain significance. Review status: criteria provided, multiple submitters, no conflicts (2 of 4 stars). 2 submissions from 2 submitters: Uncertain significance (2). Last evaluated 2023-01-14.

Conditions:
Neurofibromatosis, type 2 (SWNV). Also called: BILATERAL ACOUSTIC NEUROFIBROMATOSIS; SCHWANNOMATOSIS, VESTIBULAR; NF2-Related Schwannomatosis. Identifiers: Orphanet 637, MedGen C0027832, MONDO:0007039, OMIM 101000. Disease mechanism: loss of function.

Submissions (2):

Labcorp Genetics (formerly Invitae), Labcorp
Classification: Uncertain significance for Neurofibromatosis, type 2. Last evaluated: 2023-01-14. Review status: criteria provided, single submitter. Criteria: Invitae Variant Classification Sherloc (09022015). Collection method: clinical testing. Allele origin: germline.
Comment: In summary, the available evidence is currently insufficient to determine the role of this variant in disease. Therefore, it has been classified as a Variant of Uncertain Significance. Advanced modeling of protein sequence and biophysical properties (such as structural, functional, and spatial information, amino acid conservation, physicochemical variation, residue mobility, and thermodynamic stability) performed at Invitae indicates that this missense variant is not expected to disrupt NF2 protein function. ClinVar contains an entry for this variant (Variation ID: 1679795). This variant has not been reported in the literature in individuals affected with NF2-related conditions. This variant is present in population databases (no rsID available, gnomAD 0.003%). This sequence change replaces serine, which is neutral and polar, with glycine, which is neutral and non-polar, at codon 572 of the NF2 protein (p.Ser572Gly).

New York Genome Center
Classification: Uncertain significance for Neurofibromatosis, type 2. Last evaluated: 2021-04-30. Review status: criteria provided, single submitter. Criteria: NYGC Assertion Criteria 2020. Collection method: clinical testing. Allele origin: inherited. Observed: 1 heterozygote. Study: CSER-NYCKidSeq.

NM_000268.4(NF2):c.1714A>G (p.Ser572Gly)

Gene: NF2 (NF2, moesin-ezrin-radixin like (MERLIN) tumor suppressor; plus strand). Cytogenetic location: 22q12.2.
Variant type: single nucleotide variant.
Coding change: c.1714A>G on transcript NM_000268.4 (MANE Select); coding-DNA position 1714, A replaced by G.
Protein change: p.Ser572Gly; replaces serine 572 with glycine.
Molecular consequence: missense variant. On other transcripts: non-coding transcript variant (1), intron variant (1).
Genome position (GRCh38, 1-based): chr22:29,681,578, A>G. VCF-style: chr22-29681578-A-G. GRCh37 (hg19) VCF-style: chr22-30077567-A-G.
Other names: c.1714A>G, p.Ser572Gly (NM_016418.5, NM_181825.3, NM_181832.3); c.1588A>G, p.Ser530Gly (NM_181828.3); c.1591A>G, p.Ser531Gly (NM_181829.3); c.1465A>G, p.Ser489Gly (NM_181830.3, NM_181831.3); c.448-13174A>G (NM_181833.3); short protein forms S489G, S530G, S531G, S572G.
Identifiers: ClinVar variation 1679795 (VCV001679795.4), dbSNP rs1379683835, ClinGen allele CA411150463.